The following is an entry in ClinVar:

NM_015331.3(NCSTN):c.1237C>T (p.Leu413Phe)

Gene: NCSTN (nicastrin; plus strand). Cytogenetic location: 1q23.2.
Variant type: single nucleotide variant.
Coding change: c.1237C>T on transcript NM_015331.3 (MANE Select); coding-DNA position 1237, C replaced by T.
Protein change: p.Leu413Phe; replaces leucine 413 with phenylalanine.
Molecular consequence: missense variant.
Genome position (GRCh38, 1-based): chr1:160,354,175, C>T. VCF-style: chr1-160354175-C-T. GRCh37 (hg19) VCF-style: chr1-160323965-C-T.
Other names: c.1177C>T, p.Leu393Phe (NM_001290184.2); c.823C>T, p.Leu275Phe (NM_001290186.2); c.1237C>T, p.Leu413Phe (NM_001349729.2); short protein forms L393F, L275F, L413F.
Identifiers: ClinVar variation 1467661 (VCV001467661.8), dbSNP rs777326684, ClinGen allele CA1198945.
Genomic context (GRCh38, chr1:160,354,175, plus strand): 5'-CAGGTGGAGGATCTCCTGGCCACATTGGAGAAGAGTGGTGCTGGTGTCCCTGCTGTCATC[C>T]TCAGGAGGCCAAATCAGTCCCAGCCTCTCCCACCATCTTCCCTGCAGCGATTTCTTCGAG-3'
Protein context (NP_056146.1, residues 403-423): KSGAGVPAVI[Leu413Phe]RRPNQSQPLP

ClinVar aggregate classification (germline): Uncertain significance (1 of 4 stars; one submission).

Allele frequency attached by ClinVar (database versions not stated): gnomAD 0.00001; gnomAD exomes 0.00002; ExAC 0.00003; TOPMed 0.00003.
gnomAD v4.1: 10 of 1,614,036 alleles (0.00062%); highest among the groups gnomAD compares: East Asian, 0.011%; no homozygotes.

Submission:

Labcorp Genetics (formerly Invitae), Labcorp
Classification: Uncertain significance. Last evaluated: 2025-04-07. Review status: criteria provided, single submitter. Criteria: Invitae Variant Classification Sherloc (09022015). Collection method: clinical testing. Allele origin: germline.
Comment: This sequence change replaces leucine, which is neutral and non-polar, with phenylalanine, which is neutral and non-polar, at codon 413 of the NCSTN protein (p.Leu413Phe). This variant is present in population databases (rs777326684, gnomAD 0.02%). This variant has not been reported in the literature in individuals affected with NCSTN-related conditions. ClinVar contains an entry for this variant (Variation ID: 1467661). Invitae Evidence Modeling of protein sequence and biophysical properties (such as structural, functional, and spatial information, amino acid conservation, physicochemical variation, residue mobility, and thermodynamic stability) indicates that this missense variant is not expected to disrupt NCSTN protein function with a negative predictive value of 80%. In summary, the available evidence is currently insufficient to determine the role of this variant in disease. Therefore, it has been classified as a Variant of Uncertain Significance.